The following is an entry in ClinVar:

NM_001375524.1(TRRAP):c.1533CCCACC[1] (p.Pro514_Pro515del)

Gene: TRRAP (transformation/transcription domain associated protein; plus strand). Cytogenetic location: 7q22.1.
Variant type: Microsatellite.
Coding change: c.1533CCCACC[1] on transcript NM_001375524.1 (MANE Select); one copy of the 6-base unit CCCACC starting at c.1533; the reference has two copies in a row; one copy, 6 bases deleted.
Protein change: p.Pro514_Pro515del.
Genome position (GRCh38, 1-based): chr7:98,910,244-98,910,249, CCCACC deleted; deleting any 6 consecutive bases within chr7:98,910,236-98,910,249 gives the same sequence; the position shown is the placement nearest the transcript's 3' end. VCF-style (leftmost placement, unchanged base first): chr7-98910235-GCCCCCA-G. GRCh37 (hg19) VCF-style: chr7-98507858-GCCCCCA-G.
Other names: c.1533CCCACC[1], p.Pro514_Pro515del (NM_001244580.2, NM_003496.4).
Identifiers: ClinVar variation 3682395 (VCV003682395.2).

ClinVar aggregate classification (germline): Uncertain significance (1 of 4 stars; one submission).

Submission:

Labcorp Genetics (formerly Invitae), Labcorp
Classification: Uncertain significance. Last evaluated: 2024-03-13. Review status: criteria provided, single submitter. Criteria: Invitae Variant Classification Sherloc (09022015). Collection method: clinical testing. Allele origin: germline.
Comment: This variant, c.1539_1544del, results in the deletion of 2 amino acid(s) of the TRRAP protein (p.Pro514_Pro515del), but otherwise preserves the integrity of the reading frame. The frequency data for this variant in the population databases is considered unreliable, as metrics indicate poor data quality at this position in the gnomAD database. This variant has not been reported in the literature in individuals affected with TRRAP-related conditions. Experimental studies and prediction algorithms are not available or were not evaluated, and the functional significance of this variant is currently unknown. In summary, the available evidence is currently insufficient to determine the role of this variant in disease. Therefore, it has been classified as a Variant of Uncertain Significance.